The following is an entry in ClinVar:

ClinVar aggregate classification (germline): Uncertain significance (1 of 4 stars; one submission).

Submission:

Labcorp Genetics (formerly Invitae), Labcorp
Classification: Uncertain significance. Last evaluated: 2023-10-08. Review status: criteria provided, single submitter. Criteria: Invitae Variant Classification Sherloc (09022015). Collection method: clinical testing. Allele origin: germline.
Comment: This sequence change replaces isoleucine, which is neutral and non-polar, with leucine, which is neutral and non-polar, at codon 232 of the PSMA3 protein (p.Ile232Leu). This variant is present in population databases (rs774361030, gnomAD 0.02%). This variant has not been reported in the literature in individuals affected with PSMA3-related conditions. ClinVar contains an entry for this variant (Variation ID: 2080249). An algorithm developed to predict the effect of missense changes on protein structure and function (PolyPhen-2) suggests that this variant is likely to be tolerated. In summary, the available evidence is currently insufficient to determine the role of this variant in disease. Therefore, it has been classified as a Variant of Uncertain Significance.

NM_002788.4(PSMA3):c.694A>T (p.Ile232Leu)

Genes: PSMA3 (proteasome 20S subunit alpha 3; plus strand), PSMA3-AS1 (PSMA3 antisense RNA 1; minus strand). Cytogenetic location: 14q23.1.
Variant type: single nucleotide variant.
Coding change: c.694A>T on transcript NM_002788.4 (MANE Select); coding-DNA position 694, A replaced by T.
Protein change: p.Ile232Leu; replaces isoleucine 232 with leucine.
Molecular consequence: missense variant. On other transcripts: non-coding transcript variant (1).
Genome position (GRCh38, 1-based): chr14:58,270,969, A>T. VCF-style: chr14-58270969-A-T. GRCh37 (hg19) VCF-style: chr14-58737687-A-T.
Other names: c.673A>T, p.Ile225Leu (NM_152132.3); short protein forms I225L, I232L.
Identifiers: ClinVar variation 2080249 (VCV002080249.4), dbSNP rs774361030, ClinGen allele CA7203900.